The following is an entry in ClinVar:

ClinVar aggregate classification (germline): Uncertain significance. Review status: criteria provided, multiple submitters, no conflicts (2 of 4 stars). 2 submissions from 2 submitters: Uncertain significance (2). Last evaluated 2022-06-29.

Conditions:
Postaxial polydactyly-anterior pituitary anomalies-facial dysmorphism syndrome. Also called: Culler-Jones syndrome. Identifiers: Orphanet 420584, MedGen C4014479, MONDO:0014369, OMIM 615849.
Holoprosencephaly 9 (HPE9). Also called: PITUITARY ANOMALIES WITH HOLOPROSENCEPHALY-LIKE FEATURES; HOLOPROSENCEPHALY WITH MICROPHTHALMIA AND FIRST BRANCHIAL ARCH ANOMALIES. Identifiers: Orphanet 2162, MedGen C1835819, MONDO:0012563, OMIM 610829.

Allele frequency attached by ClinVar (database versions not stated): TOPMed below 0.00001; ExAC 0.00001; gnomAD 0.00001.
gnomAD v4.1: 2 of 1,613,782 alleles (0.00012%); highest among the groups gnomAD compares: African/African-American, 0.0013%; no homozygotes.

Submissions (2):

Labcorp Genetics (formerly Invitae), Labcorp
Classification: Uncertain significance for Postaxial polydactyly-anterior pituitary anomalies-facial dysmorphism syndrome; Holoprosencephaly 9. Last evaluated: 2022-06-29. Review status: criteria provided, single submitter. Criteria: Invitae Variant Classification Sherloc (09022015). Collection method: clinical testing. Allele origin: germline.
Comment: In summary, the available evidence is currently insufficient to determine the role of this variant in disease. Therefore, it has been classified as a Variant of Uncertain Significance. Algorithms developed to predict the effect of missense changes on protein structure and function (SIFT, PolyPhen-2, Align-GVGD) all suggest that this variant is likely to be disruptive. This variant has not been reported in the literature in individuals affected with GLI2-related conditions. This variant is present in population databases (rs750260084, gnomAD 0.007%). This sequence change replaces glutamic acid, which is acidic and polar, with lysine, which is basic and polar, at codon 500 of the GLI2 protein (p.Glu500Lys).

Revvity Omics, Revvity
Classification: Uncertain significance. Last evaluated: 2022-01-06. Review status: criteria provided, single submitter. Criteria: ACMG Guidelines, 2015. Collection method: clinical testing. Allele origin: germline.

NM_001374353.1(GLI2):c.1447G>A (p.Glu483Lys)

Gene: GLI2 (GLI family zinc finger 2; plus strand). Cytogenetic location: 2q14.2.
Variant type: single nucleotide variant.
Coding change: c.1447G>A on transcript NM_001374353.1 (MANE Select); coding-DNA position 1447, G replaced by A.
Protein change: p.Glu483Lys; replaces glutamic acid 483 with lysine.
Molecular consequence: missense variant.
Genome position (GRCh38, 1-based): chr2:120,978,563, G>A. VCF-style: chr2-120978563-G-A. GRCh37 (hg19) VCF-style: chr2-121736139-G-A.
Other names: c.1498G>A, p.Glu500Lys (NM_001371271.1, NM_005270.5); c.1072G>A, p.Glu358Lys (NM_001374354.1); short protein forms E358K, E500K, E483K.
Identifiers: ClinVar variation 2177755 (VCV002177755.7), dbSNP rs750260084, ClinGen allele CA1851915.